The following is an entry in ClinVar:

ClinVar aggregate classification (germline): Pathogenic (1 of 4 stars; one submission).

Conditions:
Primary ciliary dyskinesia. Also called: Ciliary dyskinesia. Identifiers: Orphanet 244, MedGen C0008780, MONDO:0016575, HP:0012265.

Submission:

Labcorp Genetics (formerly Invitae), Labcorp
Classification: Pathogenic for Primary ciliary dyskinesia. Last evaluated: 2021-04-11. Review status: criteria provided, single submitter. Criteria: Invitae Variant Classification Sherloc (09022015). Collection method: clinical testing. Allele origin: germline.
Comment: For these reasons, this variant has been classified as Pathogenic. This variant disrupts the C-terminus of the DNAH5 protein. Other variant(s) that disrupt this region (p.Arg4592*) have been determined to be pathogenic (PMID:32502767, Invitae). This suggests that variants that disrupt this region of the protein are likely to be causative of disease. This variant has not been reported in the literature in individuals with DNAH5-related conditions. This variant is not present in population databases (ExAC no frequency). This sequence change creates a premature translational stop signal (p.Tyr4582*) in the DNAH5 gene. While this is not anticipated to result in nonsense mediated decay, it is expected to disrupt the last 43 amino acid(s) of the DNAH5 protein.

Literature cited by the submitters: PubMed 32502767.

NM_001369.3(DNAH5):c.13746C>A (p.Tyr4582Ter)

Gene: DNAH5 (dynein axonemal heavy chain 5; minus strand). Cytogenetic location: 5p15.2.
Variant type: single nucleotide variant.
Coding change: c.13746C>A on transcript NM_001369.3 (MANE Select); coding-DNA position 13746, C replaced by A.
Protein change: p.Tyr4582Ter; replaces tyrosine 4582 with a stop codon.
Molecular consequence: nonsense.
Genome position (GRCh38, 1-based): chr5:13,692,113, G>T on the plus strand (C>A on the coding strand, the complement: DNAH5 is on the minus strand). VCF-style: chr5-13692113-G-T. GRCh37 (hg19) VCF-style: chr5-13692222-G-T.
Other names: short protein forms Y4582*.
Identifiers: ClinVar variation 1456645 (VCV001456645.8), dbSNP rs369094478, ClinGen allele CA359188743.